The following is an entry in ClinVar:

ClinVar aggregate classification (germline): Uncertain significance (1 of 4 stars; one submission).

Conditions:
Dilated cardiomyopathy 1JJ (CMD1JJ). Identifiers: Orphanet 154, MedGen C3808935, MONDO:0014095, OMIM 615235.

Submission:

Labcorp Genetics (formerly Invitae), Labcorp
Classification: Uncertain significance for Dilated cardiomyopathy 1JJ. Last evaluated: 2024-07-30. Review status: criteria provided, single submitter. Criteria: Invitae Variant Classification Sherloc (09022015). Collection method: clinical testing. Allele origin: germline.
Comment: This sequence change affects a donor splice site in intron 4 of the LAMA4 gene. It is expected to disrupt RNA splicing. Variants that disrupt the donor or acceptor splice site typically lead to a loss of protein function (PMID: 16199547), however the current clinical and genetic evidence is not sufficient to establish whether loss-of-function variants in LAMA4 cause disease. This variant is not present in population databases (gnomAD no frequency). This variant has not been reported in the literature in individuals affected with LAMA4-related conditions. Algorithms developed to predict the effect of sequence changes on RNA splicing suggest that this variant may disrupt the consensus splice site. In summary, the available evidence is currently insufficient to determine the role of this variant in disease. Therefore, it has been classified as a Variant of Uncertain Significance.

Literature cited by the submitters: PubMed 16199547.

NM_001105206.3(LAMA4):c.422+1G>A

Gene: LAMA4 (laminin subunit alpha 4; minus strand). Cytogenetic location: 6q21.
Variant type: single nucleotide variant.
Coding change: c.422+1G>A on transcript NM_001105206.3 (MANE Select); the canonical splice donor site of the intron after coding-DNA position 422, G replaced by A.
Molecular consequence: splice donor variant.
Genome position (GRCh38, 1-based): chr6:112,207,020, C>T on the plus strand (G>A on the coding strand, the complement: LAMA4 is on the minus strand). VCF-style: chr6-112207020-C-T. GRCh37 (hg19) VCF-style: chr6-112528221-C-T.
Other names: c.422+1G>A (NM_002290.5, NM_001105207.3).
Identifiers: ClinVar variation 3654779 (VCV003654779.2).